The following is an entry in ClinVar:

ClinVar aggregate classification (germline): Uncertain significance (1 of 4 stars; one submission).

Conditions:
Progressive microcephaly-seizures-cortical blindness-developmental delay syndrome. Also called: Seizures, cortical blindness, and microcephaly syndrome. Identifiers: Orphanet 477814, MedGen C5567650, MONDO:0014714, OMIM 616632.
Autosomal dominant nonsyndromic hearing loss 1. Also called: DEAFNESS, AUTOSOMAL DOMINANT 1, WITH OR WITHOUT THROMBOCYTOPENIA; KONIGSMARK SYNDROME. Identifiers: Orphanet 90635, MedGen C1852282, MONDO:0007424, OMIM 124900.

Allele frequency attached by ClinVar (database versions not stated): ExAC 0.00001; gnomAD exomes 0.00001.
gnomAD v4.1: 15 of 1,614,222 alleles (0.00093%); highest among the groups gnomAD compares: Non-Finnish European, 0.0013%; no homozygotes.

Submission:

Labcorp Genetics (formerly Invitae), Labcorp
Classification: Uncertain significance for Progressive microcephaly-seizures-cortical blindness-developmental delay syndrome; Autosomal dominant nonsyndromic hearing loss 1. Last evaluated: 2024-12-12. Review status: criteria provided, single submitter. Criteria: Invitae Variant Classification Sherloc (09022015). Collection method: clinical testing. Allele origin: germline.
Comment: This sequence change replaces aspartic acid, which is acidic and polar, with valine, which is neutral and non-polar, at codon 200 of the DIAPH1 protein (p.Asp200Val). This variant is present in population databases (rs752282481, gnomAD 0.0009%). This variant has not been reported in the literature in individuals affected with DIAPH1-related conditions. ClinVar contains an entry for this variant (Variation ID: 2924939). Experimental studies and prediction algorithms are not available or were not evaluated, and the functional significance of this variant is currently unknown. In summary, the available evidence is currently insufficient to determine the role of this variant in disease. Therefore, it has been classified as a Variant of Uncertain Significance.

NM_005219.5(DIAPH1):c.599A>T (p.Asp200Val)

Gene: DIAPH1 (diaphanous related formin 1; minus strand). Cytogenetic location: 5q31.3.
Variant type: single nucleotide variant.
Coding change: c.599A>T on transcript NM_005219.5 (MANE Select); coding-DNA position 599, A replaced by T.
Protein change: p.Asp200Val; replaces aspartic acid 200 with valine.
Molecular consequence: missense variant.
Genome position (GRCh38, 1-based): chr5:141,583,227, T>A on the plus strand (A>T on the coding strand, the complement: DIAPH1 is on the minus strand). VCF-style: chr5-141583227-T-A. GRCh37 (hg19) VCF-style: chr5-140962794-T-A.
Other names: c.572A>T, p.Asp191Val (NM_001079812.3); c.599A>T, p.Asp200Val (NM_001314007.2); short protein forms D191V, D200V.
Identifiers: ClinVar variation 2924939 (VCV002924939.3), dbSNP rs752282481, ClinGen allele CA3479562.